The following is an entry in ClinVar:

NM_021830.5(TWNK):c.1301C>A (p.Ser434Tyr)

Gene: TWNK (twinkle mtDNA helicase; plus strand). Cytogenetic location: 10q24.31.
Variant type: single nucleotide variant.
Coding change: c.1301C>A on transcript NM_021830.5 (MANE Select); coding-DNA position 1301, C replaced by A.
Protein change: p.Ser434Tyr; replaces serine 434 with tyrosine.
Molecular consequence: missense variant. On other transcripts: 5 prime UTR variant (2), non-coding transcript variant (2), intron variant (1).
Genome position (GRCh38, 1-based): chr10:100,989,701, C>A. VCF-style: chr10-100989701-C-A. GRCh37 (hg19) VCF-style: chr10-102749458-C-A.
Other names: p.Ser434Tyr; c.1301C>A (NM_021830.4); c.1301C>A, p.Ser434Tyr (NM_001163812.2); c.-62C>A (NM_001163813.2, NM_001163814.2); c.-57-5C>A (NM_001368275.1); short protein forms S434Y.
Identifiers: ClinVar variation 1949475 (VCV001949475.15), dbSNP rs372311614, ClinGen allele CA5653209.

ClinVar aggregate classification (germline): Uncertain significance. Review status: criteria provided, multiple submitters, no conflicts (2 of 4 stars). 4 submissions from 4 submitters: Uncertain significance (4). Last evaluated 2025-11-25.

Allele frequency attached by ClinVar (database versions not stated): gnomAD 0.00001; TOPMed 0.00001; ESP Exome Variant Server 0.00008.

Submissions (4):

Labcorp Genetics (formerly Invitae), Labcorp
Classification: Uncertain significance. Last evaluated: 2025-11-25. Review status: criteria provided, single submitter. Criteria: Invitae Variant Classification Sherloc (09022015). Collection method: clinical testing. Allele origin: germline.
Comment: This sequence change replaces serine, which is neutral and polar, with tyrosine, which is neutral and polar, at codon 434 of the TWNK protein (p.Ser434Tyr). This variant is present in population databases (rs372311614, gnomAD 0.006%). This variant has not been reported in the literature in individuals affected with TWNK-related conditions. ClinVar contains an entry for this variant (Variation ID: 1949475). Invitae Evidence Modeling of protein sequence and biophysical properties (such as structural, functional, and spatial information, amino acid conservation, physicochemical variation, residue mobility, and thermodynamic stability) has been performed for this missense variant. However, the output from this modeling did not meet the statistical confidence thresholds required to predict the impact of this variant on TWNK protein function. In summary, the available evidence is currently insufficient to determine the role of this variant in disease. Therefore, it has been classified as a Variant of Uncertain Significance.

CeGaT Center for Human Genetics Tuebingen
Classification: Uncertain significance. Last evaluated: 2025-08-01. Review status: criteria provided, single submitter. Criteria: CeGaT Center For Human Genetics Tuebingen Variant Classification Criteria Version 2. Collection method: clinical testing. Allele origin: germline. Affected: yes. Observed: 1 variant allele.
Comment: TWNK: PM1, PM2, PP3

Mayo Clinic Laboratories, Mayo Clinic
Classification: Uncertain significance. Last evaluated: 2022-04-22. Review status: criteria provided, single submitter. Criteria: ACMG Guidelines, 2015. Collection method: clinical testing. Allele origin: germline. Observed: 1 variant allele.

Blueprint Genetics
Classification: Uncertain significance. Last evaluated: 2021-10-04. Review status: criteria provided, single submitter. Criteria: ACMG Guidelines, 2015. Collection method: clinical testing. Allele origin: germline.